The following is an entry in ClinVar:

ClinVar aggregate classification (germline): Pathogenic. Review status: criteria provided, multiple submitters, no conflicts (2 of 4 stars). 2 submissions from 2 submitters: Pathogenic (2). Last evaluated 2024-04-11.

Conditions:
VPS13A-related neurodegenerative disease. Also called: ACANTHOCYTOSIS WITH NEUROLOGIC DISORDER; LEVINE-CRITCHLEY SYNDROME; Choreoacanthocytosis; Chorea-acanthocytosis; VPS13A Disease; Choreaacanthocytosis. Identifiers: Orphanet 2388, MedGen C0393576, MONDO:0008695, OMIM 200150.

Submissions (2):

Myriad Genetics, Inc.
Classification: Pathogenic for VPS13A-related neurodegenerative disease. Last evaluated: 2024-04-11. Review status: criteria provided, single submitter. Criteria: Myriad Autosomal Dominant, Autosomal Recessive and X-Linked Classification Criteria (2023). Collection method: clinical testing. Allele origin: unknown.
Comment: NM_033305.2(VPS13A):c.8301delA(E2767Dfs*12) is expected to be pathogenic in the context of VPS13A disease. This variant is predicted to lead to an abnormal or absent protein product due to the creation of a premature termination codon in VPS13A, a gene where loss-of-function variants are known to be pathogenic. Please note: this variant was assessed in the context of healthy population screening.

Labcorp Genetics (formerly Invitae), Labcorp
Classification: Pathogenic. Last evaluated: 2020-09-14. Review status: criteria provided, single submitter. Criteria: Invitae Variant Classification Sherloc (09022015). Collection method: clinical testing. Allele origin: germline.
Comment: This sequence change creates a premature translational stop signal (p.Glu2767Aspfs*12) in the VPS13A gene. It is expected to result in an absent or disrupted protein product. This variant is not present in population databases (ExAC no frequency). This variant has not been reported in the literature in individuals with VPS13A-related conditions. Loss-of-function variants in VPS13A are known to be pathogenic (PMID: 12404112, 21598378). For these reasons, this variant has been classified as Pathogenic.

Literature cited by the submitters: PubMed 12404112 (cited by Labcorp Genetics (formerly Invitae), Labcorp); PubMed 21598378 (cited by Labcorp Genetics (formerly Invitae), Labcorp).

NM_033305.3(VPS13A):c.8301del (p.Glu2767fs)

Gene: VPS13A (vacuolar protein sorting 13 homolog A; plus strand). Cytogenetic location: 9q21.2.
Variant type: Deletion.
Coding change: c.8301del on transcript NM_033305.3 (MANE Select); coding-DNA position 8301, one base deleted (A; older notation c.8301delA).
Protein change: p.Glu2767fs; shifts the reading frame from glutamic acid 2767.
Molecular consequence: frameshift variant.
Genome position (GRCh38, 1-based): chr9:77,365,549, A deleted; the last of 2 consecutive A bases (chr9:77,365,548-77,365,549); deleting either gives the same sequence. VCF-style (leftmost placement, unchanged base first): chr9-77365547-GA-G. GRCh37 (hg19) VCF-style: chr9-79980463-GA-G.
Other names: c.8184del, p.Glu2728fs (NM_001018037.2); c.8301del, p.Glu2767fs (NM_001018038.3, NM_015186.4); short protein forms E2728fs, E2767fs.
Identifiers: ClinVar variation 1070805 (VCV001070805.8), dbSNP rs2131577839, ClinGen allele CA2499219982.